The following is an entry in ClinVar:

ClinVar aggregate classification (germline): Uncertain significance (1 of 4 stars; one submission).

Conditions:
Familial hemophagocytic lymphohistiocytosis 3 (FHL3). Also called: UNC13D-Related Familial Hemophagocytic Lymphohistiocytosis (UNC13D-fHLH). Identifiers: Orphanet 540, MedGen C1837174, MONDO:0012146, OMIM 608898.

Allele frequency attached by ClinVar (database versions not stated): gnomAD exomes below 0.00001 and 0.00002; gnomAD 0.00002; TOPMed 0.00002.
gnomAD v4.1: 7 of 1,575,904 alleles (0.00044%); highest among the groups gnomAD compares: African/African-American, 0.0094%; no homozygotes.

Submission:

Labcorp Genetics (formerly Invitae), Labcorp
Classification: Uncertain significance for Familial hemophagocytic lymphohistiocytosis 3. Last evaluated: 2018-05-22. Review status: criteria provided, single submitter. Criteria: Invitae Variant Classification Sherloc (09022015). Collection method: clinical testing. Allele origin: germline.
Comment: This sequence change falls in intron 30 of the UNC13D gene. It does not directly change the encoded amino acid sequence of the UNC13D protein, but it affects a nucleotide within the consensus splice site of the intron. This variant is not present in population databases (ExAC no frequency). This variant has not been reported in the literature in individuals with UNC13D-related disease. Nucleotide substitutions within the consensus splice site are a relatively common cause of aberrant splicing (PMID: 17576681, 9536098). Algorithms developed to predict the effect of sequence changes on RNA splicing suggest that this variant may disrupt the consensus splice site, but this prediction has not been confirmed by published transcriptional studies. In summary, the available evidence is currently insufficient to determine the role of this variant in disease. Therefore, it has been classified as a Variant of Uncertain Significance.

Literature cited by the submitters: PubMed 17576681; PubMed 9536098.

NM_199242.3(UNC13D):c.2954+3G>T

Genes: UNC13D (unc-13 homolog D; minus strand), LOC112533672 (Sharpr-MPRA regulatory region 1193; plus strand). Cytogenetic location: 17q25.1.
Variant type: single nucleotide variant.
Coding change: c.2954+3G>T on transcript NM_199242.3 (MANE Select); 3 bases into the intron after coding-DNA position 2954, G replaced by T.
Molecular consequence: intron variant.
Genome position (GRCh38, 1-based): chr17:75,830,025, C>A on the plus strand (G>T on the coding strand, the complement: UNC13D is on the minus strand). VCF-style: chr17-75830025-C-A. GRCh37 (hg19) VCF-style: chr17-73826106-C-A.
Identifiers: ClinVar variation 568342 (VCV000568342.3), dbSNP rs924698827, ClinGen allele CA294084489.